The following continues an entry in ClinVar:

NM_001282531.3(ADNP):c.2188C>T (p.Arg730Ter)

Gene: ADNP. ClinVar aggregate classification (germline): Pathogenic/Likely pathogenic. Pathogenic (17); Likely pathogenic (2).

Submissions 10 to 24 of 24:

Institute of Medical Genetics and Applied Genomics, University Hospital Tübingen
Classification: Likely pathogenic. Last evaluated: 2021-06-17. Review status: criteria provided, single submitter. Criteria: ACMG Guidelines, 2015. Collection method: clinical testing. Allele origin: germline. Inheritance: Autosomal dominant inheritance. Affected: yes.

CeGaT Center for Human Genetics Tuebingen
Classification: Pathogenic. Last evaluated: 2020-11-01. Review status: criteria provided, single submitter. Criteria: CeGaT Center For Human Genetics Tuebingen Variant Classification Criteria Version 2. Collection method: clinical testing. Allele origin: germline. Affected: yes. Observed: 1 variant allele.

HudsonAlpha Institute for Biotechnology
Classification: Pathogenic for ADNP-related multiple congenital anomalies - intellectual disability - autism spectrum disorder. Last evaluated: 2020-01-06. Review status: criteria provided, single submitter. Criteria: ACMG Guidelines, 2015. Collection method: research. Allele origin: de novo. Affected: yes. Observed: 1 variant allele. Study: CSER-SouthSeq.
Comment: ACMG codes: PVS1, PS2, PS4M, PM2, PP5

Rady Children's Institute for Genomic Medicine, Rady Children's Hospital San Diego
Classification: Pathogenic for HELSMOORTEL-VAN DER AA SYNDROME. Last evaluated: 2019-05-14. Review status: criteria provided, single submitter. Criteria: ACMG Guidelines, 2015. Collection method: clinical testing. Allele origin: germline. Affected: yes.
Comment: This nonsense variant is found in exon 5 of 5 and is predicted to result in loss of normal protein function. This variant has been reported as Pathogenic by multiple clinical laboratories in the ClinVar database (Variation ID: 279598). Additionally, this variant has been previously reported in the literature as a de novo heterozygous change in patients with Helsmoortel-van der Aa Syndrome (PMID: 27031564, 29286531, 29724491). It is absent from the ExAC and gnomAD population databases and thus is presumed to be rare. Based on the available evidence, the c.2188C>T (p.Arg730Ter) variant is classified as Pathogenic.

Undiagnosed Diseases Network, NIH
Classification: Pathogenic for ADNP-related multiple congenital anomalies - intellectual disability - autism spectrum disorder. Last evaluated: 2019-02-21. Review status: criteria provided, single submitter. Criteria: ACMG Guidelines, 2015. Collection method: clinical testing. Allele origin: de novo. Inheritance: Autosomal dominant inheritance. Affected: yes. Observed: 1 variant allele, 1 heterozygote.

Fulgent Genetics
Classification: Pathogenic for ADNP-related multiple congenital anomalies - intellectual disability - autism spectrum disorder. Last evaluated: 2018-10-31. Review status: criteria provided, single submitter. Criteria: ACMG Guidelines, 2015. Collection method: clinical testing. Allele origin: unknown.

MVZ Martinsried, Medicover Genetics
Classification: Pathogenic for ADNP-related multiple congenital anomalies - intellectual disability - autism spectrum disorder. Last evaluated: 2016-09-30. Review status: criteria provided, single submitter. Criteria: ACMG Guidelines, 2015. Collection method: clinical testing. Allele origin: de novo. Affected: yes.

Center of Genomic medicine, Geneva, University Hospital of Geneva
Classification: Pathogenic for ADNP-related multiple congenital anomalies - intellectual disability - autism spectrum disorder. Last evaluated: 2016-06-01. Review status: criteria provided, single submitter. Criteria: ACMG Guidelines, 2015. Collection method: clinical testing. Allele origin: de novo. Affected: yes.

Juno Genomics, Hangzhou Juno Genomics, Inc
Classification: Pathogenic for ADNP-related multiple congenital anomalies - intellectual disability - autism spectrum disorder. Review status: criteria provided, single submitter. Criteria: ACMG Guidelines, 2015. Collection method: clinical testing. Allele origin: germline. Affected: yes.
Comment: Absent from controls (or at extremely low frequency if recessive) in Genome Aggregation Database, Exome Sequencing Project, 1000 Genomes Project, or Exome Aggregation Consortium.;Null variant in a gene where loss of function (LOF) is a known mechanism of disease.;The prevalence of the variant in affected individuals is significantly increased compared to the prevalence in controls.;De novo (both maternity and paternity confirmed) in a patient with the disease and no family history.;Patient's phenotype or family history is highly specific for a disease with a single genetic etiology.

Molecular Genetics Lab, CHRU Brest
Classification: Likely pathogenic for ADNP-related multiple congenital anomalies - intellectual disability - autism spectrum disorder. Review status: criteria provided, single submitter. Criteria: ACMG Guidelines, 2015. Collection method: clinical testing. Allele origin: de novo. Affected: yes.

Genetics and Genomic Medicine Centre, NeuroGen Healthcare, NeuroGen Healthcare
Classification: Pathogenic. Last evaluated: 2021-10-10. Review status: no assertion criteria provided. Collection method: clinical testing. Allele origin: unknown. Affected: yes. Not counted in ClinVar's aggregate classification.

Centre for Mendelian Genomics, University Medical Centre Ljubljana
Classification: Likely pathogenic for Abnormality of the dentition; Corpus callosum, agenesis of; Aggressive behavior; Global developmental delay; Decreased response to growth hormone stimulation test; Hypothyroidism; Seizure; Motor stereotypies. Last evaluated: 2016-03-21. Review status: no assertion criteria provided. Collection method: clinical testing. Allele origin: unknown. Affected: yes. Not counted in ClinVar's aggregate classification.

Clinical Genetics DNA and cytogenetics Diagnostics Lab, Erasmus MC, Erasmus Medical Center
Classification: Pathogenic. Review status: no assertion criteria provided. Collection method: clinical testing. Allele origin: germline. Affected: yes. Study: VKGL Data-share Consensus. Not counted in ClinVar's aggregate classification.

GeneReviews
No classification provided. Condition: ADNP-related multiple congenital anomalies - intellectual disability - autism spectrum disorder. Review status: no classification provided. Collection method: literature only. Allele origin: germline. Not counted in ClinVar's aggregate classification.
Comment: Common pathogenic variant

Joint Genome Diagnostic Labs from Nijmegen and Maastricht, Radboudumc and MUMC+
Classification: Pathogenic. Review status: no assertion criteria provided. Collection method: clinical testing. Allele origin: germline. Affected: yes. Study: VKGL Data-share Consensus. Not counted in ClinVar's aggregate classification.

Literature cited by the submitters: PubMed 24531329 (cited by Ambry Genetics); PubMed 27031564 (cited by 4 submitters); PubMed 28221363 (cited by Ambry Genetics and Illumina Laboratory Services, Illumina); PubMed 29475819 (cited by 3 submitters); PubMed 29724491 (cited by 3 submitters); PubMed 29911927 (cited by 3 submitters); PubMed 28135719 (cited by Labcorp Genetics (formerly Invitae), Labcorp); PubMed 35920977 (cited by Pittsburgh Clinical Genomics Laboratory, University of Pittsburgh Medical Center); PubMed 38282129 (cited by Pittsburgh Clinical Genomics Laboratory, University of Pittsburgh Medical Center); PubMed 28407407 (cited by Pittsburgh Clinical Genomics Laboratory, University of Pittsburgh Medical Center); PubMed 38254177 (cited by Pittsburgh Clinical Genomics Laboratory, University of Pittsburgh Medical Center); PubMed 38204290 (cited by Pittsburgh Clinical Genomics Laboratory, University of Pittsburgh Medical Center); PubMed 35322241 (cited by Pittsburgh Clinical Genomics Laboratory, University of Pittsburgh Medical Center); PubMed 31029150 (cited by Pittsburgh Clinical Genomics Laboratory, University of Pittsburgh Medical Center); PubMed 28675391 (cited by Pittsburgh Clinical Genomics Laboratory, University of Pittsburgh Medical Center); PubMed 35982159 (cited by Pittsburgh Clinical Genomics Laboratory, University of Pittsburgh Medical Center); PubMed 35813072 (cited by Pittsburgh Clinical Genomics Laboratory, University of Pittsburgh Medical Center); NCBI Bookshelf NBK355518 (cited by GeneReviews).